The following is an entry in ClinVar:

ClinVar aggregate classification (germline): Pathogenic/Likely pathogenic. Review status: criteria provided, multiple submitters, no conflicts (2 of 4 stars). 7 submissions from 7 submitters: Pathogenic (6); Likely pathogenic (1). Last evaluated 2026-03-17.

Conditions:
Charcot-Marie-Tooth disease type 4K. Also called: CHARCOT-MARIE-TOOTH DISEASE, DEMYELINATING, AUTOSOMAL RECESSIVE, TYPE 4K; CHARCOT-MARIE-TOOTH NEUROPATHY, DEMYELINATING, AUTOSOMAL RECESSIVE, TYPE 4K; CHARCOT-MARIE-TOOTH DISEASE, DEMYELINATING, TYPE 4K. Identifiers: Orphanet 391351, MedGen C4225246, MONDO:0014733, OMIM 616684.
Mitochondrial complex IV deficiency, nuclear type 1 (MC4DN1). Also called: COX DEFICIENCY; Mitochondrial complex IV deficiency; Complex 4 mitochondrial respiratory chain deficiency; Deficiency of mitochondrial respiratory chain complex4; Complex IV deficiency. Identifiers: MedGen C5435656, MONDO:0700250, OMIM 220110. Disease mechanism: loss of function.
Leigh syndrome (NULS). Also called: Leigh's necrotizing encephalopathy; Leigh's disease; Leigh's syndrome; Leigh Disease; Subacute necrotizing encephalopathy; Necrotizing encephalopathy infantile subacute of Leigh. Identifiers: Orphanet 506, MedGen C2931891, MONDO:0009723, OMIM 256000.
SURF1-related disorder. Also called: SURF1-related condition.

Submissions (7):

Dasa
Classification: Pathogenic. Last evaluated: 2026-03-17. Review status: criteria provided, single submitter. Criteria: DASA Assertion Criteria. Collection method: clinical testing. Allele origin: germline.
Comment: NM_003172.4(SURF1):c.552del (p.Lys185Argfs*3) introduces a premature termination codon predicted to result in loss of normal protein function. Loss-of-function is an established mechanism of disease for this gene. This variant has been reported in individuals with related phenotype (PMID: 1044388). The variant is present at low frequency in population datasets. Based on the available data, this variant is classified as pathogenic.

Labcorp Genetics (formerly Invitae), Labcorp
Classification: Pathogenic for Leigh syndrome. Last evaluated: 2026-01-05. Review status: criteria provided, single submitter. Criteria: Invitae Variant Classification Sherloc (09022015). Collection method: clinical testing. Allele origin: germline.
Comment: This sequence change creates a premature translational stop signal (p.Lys185Argfs*3) in the SURF1 gene. It is expected to result in an absent or disrupted protein product. Loss-of-function variants in SURF1 are known to be pathogenic (PMID: 10443880, 22488715, 24027061). This variant is present in population databases (rs782542152, gnomAD 0.003%). This premature translational stop signal has been observed in individual(s) with clinical features of Leigh syndrome (PMID: 10443880). ClinVar contains an entry for this variant (Variation ID: 1416074). For these reasons, this variant has been classified as Pathogenic.

Fulgent Genetics
Classification: Pathogenic for Mitochondrial complex IV deficiency, nuclear type 1; Charcot-Marie-Tooth disease type 4K. Last evaluated: 2024-02-20. Review status: criteria provided, single submitter. Criteria: ACMG Guidelines, 2015. Collection method: clinical testing. Allele origin: germline.

Women's Health and Genetics/Laboratory Corporation of America, LabCorp
Classification: Pathogenic for Leigh syndrome. Last evaluated: 2023-02-17. Review status: criteria provided, single submitter. Criteria: LabCorp Variant Classification Summary - May 2015. Collection method: clinical testing. Allele origin: germline.
Comment: Variant summary: SURF1 c.552delG (p.Lys185ArgfsX3) results in a premature termination codon, predicted to cause a truncation of the encoded protein or absence of the protein due to nonsense mediated decay, which are commonly known mechanisms for disease. Truncations downstream of this position have been classified as pathogenic by our laboratory. The variant allele was found at a frequency of 1.2e-05 in 249432 control chromosomes. c.552delG has been reported in the literature in individuals affected with Leigh Syndrome. These data indicate that the variant is likely to be associated with disease. One clinical diagnostic laboratory has submitted clinical-significance assessments for this variant to ClinVar after 2014 without evidence for independent evaluation and classified the variant as pathogenic. Based on the evidence outlined above, the variant was classified as pathogenic.

CeGaT Center for Human Genetics Tuebingen
Classification: Pathogenic. Last evaluated: 2023-01-01. Review status: criteria provided, single submitter. Criteria: CeGaT Center For Human Genetics Tuebingen Variant Classification Criteria Version 2. Collection method: clinical testing. Allele origin: germline. Affected: yes. Observed: 1 variant allele.

Laboratorio de Genetica e Diagnostico Molecular, Hospital Israelita Albert Einstein
Classification: Pathogenic for Mitochondrial complex IV deficiency, nuclear type 1. Last evaluated: 2022-09-02. Review status: criteria provided, single submitter. Criteria: ACMG Guidelines, 2015. Collection method: clinical testing. Allele origin: germline. Affected: yes. Observed: 1 variant allele.
Comment: ACMG classification criteria: PVS1 very strong, PS4 moderated, PM2 moderated, PM3 moderated

Blueprint Genetics
Classification: Likely pathogenic for SURF1-related disorders. Last evaluated: 2018-01-22. Review status: criteria provided, single submitter. Criteria: ACMG Guidelines, 2015. Collection method: clinical testing. Allele origin: germline. Affected: yes. Observed: 2 variant alleles.

Literature cited by the submitters: PubMed 1044388 (cited by Dasa); PubMed 10443880 (cited by Labcorp Genetics (formerly Invitae), Labcorp and Women's Health and Genetics/Laboratory Corporation of America, LabCorp); PubMed 22488715 (cited by Labcorp Genetics (formerly Invitae), Labcorp); PubMed 24027061 (cited by Labcorp Genetics (formerly Invitae), Labcorp).

NM_003172.4(SURF1):c.552del (p.Lys185fs)

Gene: SURF1 (SURF1 cytochrome c oxidase assembly factor; minus strand). Cytogenetic location: 9q34.2.
Variant type: Deletion.
Coding change: c.552del on transcript NM_003172.4 (MANE Select); coding-DNA position 552, one base deleted (G; older notation c.552delG).
Protein change: p.Lys185fs; shifts the reading frame from lysine 185.
Molecular consequence: frameshift variant.
Genome position (GRCh38, 1-based): chr9:133,352,730, C deleted on the plus strand (G on the coding strand, the reverse complement: SURF1 is on the minus strand); the first of 2 consecutive C bases (chr9:133,352,730-133,352,731); deleting either gives the same sequence. VCF-style (leftmost placement, unchanged base first): chr9-133352729-TC-T. GRCh37 (hg19) VCF-style: chr9-136219584-TC-T.
Other names: c.225del, p.Lys76fs (NM_001280787.1); c.552delG (NM_003172.3); short protein forms K185fs, K76fs.
Identifiers: ClinVar variation 1416074 (VCV001416074.35), dbSNP rs782542152, ClinGen allele CA200832510.